The following is an entry in ClinVar:

ClinVar aggregate classification (germline): Benign/Likely benign. Review status: criteria provided, multiple submitters, no conflicts (2 of 4 stars). 4 submissions from 4 submitters: Benign (1); Likely benign (3). Last evaluated 2025-06-09.

Conditions:
Hereditary nonpolyposis colorectal neoplasms. Identifiers: MedGen C0009405, MeSH D003123.
Hereditary cancer-predisposing syndrome. Also called: Tumor predisposition; Neoplastic Syndromes, Hereditary; Hereditary neoplastic syndrome; Hereditary Cancer Syndrome. Identifiers: Orphanet 140162, MedGen C0027672, MeSH D009386, MONDO:0015356.
Lynch syndrome 5 (LYNCH5). Also called: Colorectal cancer, hereditary nonpolyposis, type 5; Hereditary non-polyposis colorectal cancer, type 5. Identifiers: Orphanet 144, MedGen C1833477, MONDO:0013710, OMIM 614350. Disease mechanism: loss of function.

Allele frequency attached by ClinVar (database versions not stated): gnomAD exomes below 0.00001; TOPMed 0.00001; gnomAD 0.00002.
gnomAD v4.1: 4 of 1,613,822 alleles (0.00025%); highest among the groups gnomAD compares: African/African-American, 0.0053%; no homozygotes.

Submissions (4):

Labcorp Genetics (formerly Invitae), Labcorp
Classification: Likely benign for Hereditary nonpolyposis colorectal neoplasms. Last evaluated: 2025-06-09. Review status: criteria provided, single submitter. Criteria: Invitae Variant Classification Sherloc (09022015). Collection method: clinical testing. Allele origin: germline.

Myriad Genetics, Inc.
Classification: Benign for Lynch syndrome 5. Last evaluated: 2025-01-08. Review status: criteria provided, single submitter. Criteria: Myriad Autosomal Dominant, Autosomal Recessive and X-Linked Classification Criteria (2023). Collection method: clinical testing. Allele origin: unknown.
Comment: This variant is considered benign. This variant is a silent/synonymous amino acid change and it is not expected to impact splicing.

Color Diagnostics, LLC DBA Color Health
Classification: Likely benign for Hereditary cancer-predisposing syndrome. Last evaluated: 2019-01-02. Review status: criteria provided, single submitter. Criteria: ACMG Guidelines, 2015. Collection method: clinical testing. Allele origin: germline.

Ambry Genetics
Classification: Likely benign for Hereditary cancer-predisposing syndrome. Last evaluated: 2015-11-04. Review status: criteria provided, single submitter. Criteria: Ambry Variant Classification Scheme 2023. Collection method: clinical testing. Allele origin: germline.

NM_000179.3(MSH6):c.3900T>C (p.Phe1300=)

Gene: MSH6 (mutS homolog 6; plus strand). Cytogenetic location: 2p16.3.
Variant type: single nucleotide variant.
Coding change: c.3900T>C on transcript NM_000179.3 (MANE Select); coding-DNA position 3900, T replaced by C.
Protein change: p.Phe1300=; no amino-acid change (phenylalanine 1300 retained).
Molecular consequence: synonymous variant.
Genome position (GRCh38, 1-based): chr2:47,806,550, T>C. VCF-style: chr2-47806550-T-C. GRCh37 (hg19) VCF-style: chr2-48033689-T-C.
Other names: c.3510T>C, p.Phe1170= (NM_001281492.2); c.2994T>C, p.Phe998= (NM_001281493.2, NM_001281494.2).
Identifiers: ClinVar variation 416158 (VCV000416158.19), dbSNP rs1060504751, ClinGen allele CA16611084.